The following is an entry in ClinVar:

ClinVar aggregate classification (germline): Uncertain significance (1 of 4 stars; one submission).

Conditions:
PIEZO1-related disorder. Also called: PIEZO1-related condition; PIEZO1-Related Disorders.

Allele frequency attached by ClinVar (database versions not stated): gnomAD exomes 0.00001; gnomAD 0.00002; TOPMed 0.00003.
gnomAD v4.1: 20 of 1,550,376 alleles (0.0013%); highest among the groups gnomAD compares: Admixed American, 0.0039%; no homozygotes.

Submission:

PreventionGenetics, part of Exact Sciences
Classification: Uncertain significance for PIEZO1-related condition. Last evaluated: 2023-09-13. Review status: criteria provided, single submitter. Criteria: ACMG Guidelines, 2015. Collection method: clinical testing. Allele origin: germline.
Comment: The PIEZO1 c.6064T>C variant is predicted to result in the amino acid substitution p.Tyr2022His. To our knowledge, this variant has not been reported in the literature. This variant is reported in 0.0083% of alleles in individuals of European (Non-Finnish) descent in gnomAD. At this time, the clinical significance of this variant is uncertain due to the absence of conclusive functional and genetic evidence.

NM_001142864.4(PIEZO1):c.6064T>C (p.Tyr2022His)

Gene: PIEZO1 (piezo type mechanosensitive ion channel component 1 (Er blood group); minus strand). Cytogenetic location: 16q24.3.
Variant type: single nucleotide variant.
Coding change: c.6064T>C on transcript NM_001142864.4 (MANE Select); coding-DNA position 6064, T replaced by C.
Protein change: p.Tyr2022His; replaces tyrosine 2022 with histidine.
Molecular consequence: missense variant.
Genome position (GRCh38, 1-based): chr16:88,720,169, A>G on the plus strand (T>C on the coding strand, the complement: PIEZO1 is on the minus strand). VCF-style: chr16-88720169-A-G. GRCh37 (hg19) VCF-style: chr16-88786577-A-G.
Other names: c.4606T>C, p.Tyr1536His (NM_014745.1); short protein forms Y1536H, Y2022H.
Identifiers: ClinVar variation 2633174 (VCV002633174.1), dbSNP rs994413912, ClinGen allele CA286409350.